The following is an entry in ClinVar:

ClinVar aggregate classification (germline): Conflicting classifications of pathogenicity. Review status: criteria provided, conflicting classifications (1 of 4 stars). 17 submissions from 15 submitters: Uncertain significance (13); Likely benign (1). 3 of the submissions do not count toward it. Last evaluated 2026-04-22.

Conditions:
SMPD1-related disorder. Also called: SMPD1-related condition.
Niemann-Pick disease, type B. Also called: Chronic Visceral ASMD (Niemann-Pick Disease Type B; NPD-B). Identifiers: Orphanet 77293, MedGen C0268243, MONDO:0011871, OMIM 607616. Disease mechanism: loss of function.
Niemann-Pick disease, type A. Also called: Infantile Neurovisceral ASMD (Niemann-Pick Disease Type A; NPD-A); SPHINGOMYELIN LIPIDOSIS; SPHINGOMYELINASE DEFICIENCY. Identifiers: Orphanet 77292, MedGen C0268242, MONDO:0009756, OMIM 257200. Disease mechanism: loss of function.
Sphingomyelin/cholesterol lipidosis. Also called: Niemann-Pick disease. Identifiers: MedGen C0028064, MONDO:0001982.
Inborn genetic diseases. Identifiers: MedGen C0950123, MeSH D030342.

Allele frequency attached by ClinVar (database versions not stated): gnomAD exomes 0.00093; ExAC 0.00095; TOPMed 0.00102; gnomAD 0.00111 and 0.00117; ESP Exome Variant Server 0.00123; 1000 Genomes Project 0.00140; 1000 Genomes Project 30x 0.00156.

Submissions (17):

PreventionGenetics, part of Exact Sciences
Classification: Uncertain significance for SMPD1-related condition. Last evaluated: 2026-04-22. Review status: criteria provided, single submitter. Criteria: ACMG Guidelines, 2015. Collection method: clinical testing. Allele origin: germline.
Comment: The SMPD1 c.1474G>A variant is predicted to result in the amino acid substitution p.Gly492Ser. This variant has been reported with a causative SMPD1 variant in two individuals with Niemann-Pick disease (Irun et al. 2013. PubMed ID: 23252888). This variant has also been reported in multiple individuals with a lysosomal storage disorder (Clark et al. 2015. PubMed ID: 25933391; Wang et al. 2017. PubMed ID: 28703315; Table S3, Zhao et al. 2021. PubMed ID: 34867278). However, this variant is reported in 0.15% of alleles in individuals of European (non-Finnish) descent in gnomAD, which may be too frequent to be a primary cause of disease. Although we suspect that this variant may be benign, at this time, the clinical significance of this variant is uncertain due to the absence of conclusive functional and genetic evidence.

CeGaT Center for Human Genetics Tuebingen
Classification: Likely benign. Last evaluated: 2025-08-01. Review status: criteria provided, single submitter. Criteria: CeGaT Center For Human Genetics Tuebingen Variant Classification Criteria Version 2. Collection method: clinical testing. Allele origin: germline. Affected: yes. Observed: 2 variant alleles.
Comment: SMPD1: BP4

GeneDx
Classification: Uncertain significance. Last evaluated: 2025-07-31. Review status: criteria provided, single submitter. Criteria: GeneDx Variant Classification Process June 2021. Collection method: clinical testing. Allele origin: germline. Affected: yes.
Comment: Reported in the heterozygous state in a patient with a suspected lysosomal storage disease in published literature; however, the patient also harbored variants in the NPC1 gene (Wang et al., 2017); Reported in a patient with Parkinson disease in published literature; however, additional information was not provided and the variant was observed in unaffected control individuals (Alcalay et al., 2019); In silico analysis suggests that this missense variant does not alter protein structure/function; This variant is associated with the following publications: (PMID: 23252888, 34426522, 26499107, 34867278, 30788890, 28703315, 25933391)

Women's Health and Genetics/Laboratory Corporation of America, LabCorp
Classification: Uncertain significance. Last evaluated: 2025-06-09. Review status: criteria provided, single submitter. Criteria: LabCorp Variant Classification Summary - May 2015. Collection method: clinical testing. Allele origin: germline.
Comment: Variant summary: SMPD1 c.1474G>A (p.Gly492Ser) results in a non-conservative amino acid change located in the Sphingomyelin phosphodiesterase, C-terminal domain (IPR045473) of the encoded protein sequence. Algorithms developed to predict the effect of missense changes on protein structure and function are either unavailable or do not agree on the potential impact of this missense change. The variant allele was found at a frequency of 0.00093 in 251524 control chromosomes, predominantly at a frequency of 0.0015 within the Non-Finnish European subpopulation in the gnomAD database. This frequency is not significantly higher than estimated for a pathogenic variant in SMPD1 causing Niemann-Pick Disease Type B (0.00093 vs 0.0022), allowing no conclusion about variant significance. c.1474G>A has been observed as a biallelic genotype in compound heterozygosity with a different pathogenic variant (c.739G>A, p.Gly247Ser) in two individuals, one of whom was reportedly asymptomatic and the other affected with Niemann-Pick Disease Type B (example, Irun_2013). These data do not allow any conclusion about variant significance. At least one publication reports experimental evidence evaluating an impact on protein function in-vitro, however, due to the compound heterozygous genotype, does not allow convincing conclusions about the variant effect in isolation (Irun_2013). The following publications have been ascertained in the context of this evaluation (PMID: 25933391, 23252888, 28703315, 26499107). ClinVar contains an entry for this variant (Variation ID: 445832). Based on the evidence outlined above, the variant was classified as uncertain significance.

Genomic Medicine Center of Excellence, King Faisal Specialist Hospital and Research Centre
Classification: Uncertain significance for Niemann-Pick disease, type A. Last evaluated: 2024-03-26. Review status: criteria provided, single submitter. Criteria: ACMG Guidelines, 2015. Collection method: clinical testing. Allele origin: germline.

Labcorp Genetics (formerly Invitae), Labcorp
Classification: Uncertain significance for Niemann-Pick disease, type B; Niemann-Pick disease, type A. Last evaluated: 2022-06-16. Review status: criteria provided, single submitter. Criteria: Invitae Variant Classification Sherloc (09022015). Collection method: clinical testing. Allele origin: germline.
Comment: This sequence change replaces glycine, which is neutral and non-polar, with serine, which is neutral and polar, at codon 492 of the SMPD1 protein (p.Gly492Ser). This variant is present in population databases (rs144873307, gnomAD 0.2%), and has an allele count higher than expected for a pathogenic variant. This missense change has been observed in individuals with Niemann-Pick disease type B (PMID: 23252888). ClinVar contains an entry for this variant (Variation ID: 445832). Advanced modeling of protein sequence and biophysical properties (such as structural, functional, and spatial information, amino acid conservation, physicochemical variation, residue mobility, and thermodynamic stability) performed at Invitae indicates that this missense variant is not expected to disrupt SMPD1 protein function. In summary, the available evidence is currently insufficient to determine the role of this variant in disease. Therefore, it has been classified as a Variant of Uncertain Significance.

Genome-Nilou Lab
Classification: Uncertain significance for Niemann-Pick disease, type A. Last evaluated: 2021-07-22. Review status: criteria provided, single submitter. Criteria: ACMG Guidelines, 2015. Collection method: clinical testing. Allele origin: germline. Affected: no.

Genome-Nilou Lab
Classification: Uncertain significance for Niemann-Pick disease, type B. Last evaluated: 2021-07-22. Review status: criteria provided, single submitter. Criteria: ACMG Guidelines, 2015. Collection method: clinical testing. Allele origin: germline. Affected: no.

Ambry Genetics
Classification: Uncertain significance for Inborn genetic diseases. Last evaluated: 2021-04-22. Review status: criteria provided, single submitter. Criteria: Ambry Variant Classification Scheme 2023. Collection method: clinical testing. Allele origin: germline.
Comment: (Irun, 2013) Based on insufficient or conflicting evidence, the clinical significance of this alteration remains unclear.

Broad Center for Mendelian Genomics, Broad Institute of MIT and Harvard
Classification: Uncertain significance for Sphingomyelin/cholesterol lipidosis. Last evaluated: 2020-01-22. Review status: criteria provided, single submitter. Criteria: ACMG Guidelines, 2015. Collection method: curation. Allele origin: germline. Inheritance: Autosomal recessive inheritance.
Comment: The p.Gly493Ser variant in SMPD1 (also known as p.Gly491Ser due to a difference in cDNA numbering) has been reported in at least 2 individuals with Niemann-Pick disease (PMID: 23252888) and has been identified in 0.152% (196/129134) of European (non-Finnish) chromosomes, 0.095% (29/30616) of South Asian chromosomes, and 0.052% (13/24950) of African chromosomes by the Genome Aggregation Database (gnomAD; dbSNP rs144873307). This variant has also been reported in ClinVar (VariationID: 445832) as a VUS by Children's Mercy Hospital and Clinics, EGL Genetic Diagnostics, Integrated Genetics, and Mayo Clinic Genetic Testing Laboratories. Computational prediction tools, including splice predictors, and conservation analyses suggest that this variant may not impact the protein, though this information is not predictive enough to rule out pathogenicity. The presence of this variant in combination with a reported likely pathogenic variant and in 2 individuals with Niemann-Pick disease increases the likelihood that the p.Gly492Ser variant is pathogenic (VariationID: 100731; PMID: 23252888). The phenotype of individuals compound heterozygous for this variant is highly specific for Niemann-Pick disease based on acid sphingomyelinase activity being less than 10% of normal, consistent with disease (PMID: 23252888). In summary, the clinical significance of the p.Gly492Ser variant is uncertain. ACMG/AMP Criteria applied: BS1, BP4, PM3, PP4 (Richards 2015).

Eurofins Ntd Llc (ga)
Classification: Uncertain significance. Last evaluated: 2018-07-17. Review status: criteria provided, single submitter. Criteria: EGL ClinVar v180209 classification definitions. Collection method: clinical testing. Allele origin: germline. Observed: 5 variant alleles, 5 heterozygotes.

Center for Pediatric Genomic Medicine, Children's Mercy Hospital and Clinics
Classification: Uncertain significance. Last evaluated: 2017-06-12. Review status: criteria provided, single submitter. Criteria: ACMG Guidelines, 2015. Collection method: clinical testing. Allele origin: germline.

Illumina Laboratory Services, Illumina
Classification: Uncertain significance for Niemann-Pick disease, type A. Last evaluated: 2017-04-27. Review status: criteria provided, single submitter. Criteria: ICSL Variant Classification Criteria 13 December 2019. Collection method: clinical testing. Allele origin: germline.

Baylor Genetics
Classification: Uncertain significance for Niemann-Pick disease, type B. Review status: criteria provided, single submitter. Criteria: ACMG Guidelines, 2015. Collection method: clinical testing. Allele origin: unknown.

Baylor Genetics
Classification: Uncertain significance for Niemann-Pick disease, type A. Last evaluated: 2022-05-05. Review status: no assertion criteria provided. Collection method: clinical testing. Allele origin: unknown. Not counted in ClinVar's aggregate classification.

Natera, Inc.
Classification: Uncertain significance for Acid sphingomyelinase deficiency. Last evaluated: 2020-04-03. Review status: no assertion criteria provided. Collection method: clinical testing. Allele origin: germline. Not counted in ClinVar's aggregate classification.

Mayo Clinic Laboratories, Mayo Clinic
Classification: Uncertain significance. Last evaluated: 2017-07-18. Review status: no assertion criteria provided. Collection method: clinical testing. Allele origin: unknown. Not counted in ClinVar's aggregate classification.

Literature cited by the submitters: PubMed 26499107 (cited by Women's Health and Genetics/Laboratory Corporation of America, LabCorp); PubMed 23252888 (cited by 6 submitters); PubMed 28703315 (cited by Women's Health and Genetics/Laboratory Corporation of America, LabCorp and Baylor Genetics); PubMed 25933391 (cited by Women's Health and Genetics/Laboratory Corporation of America, LabCorp).

NM_000543.5(SMPD1):c.1474G>A (p.Gly492Ser)

Gene: SMPD1 (sphingomyelin phosphodiesterase 1; plus strand). Cytogenetic location: 11p15.4.
Variant type: single nucleotide variant.
Coding change: c.1474G>A on transcript NM_000543.5 (MANE Select); coding-DNA position 1474, G replaced by A.
Protein change: p.Gly492Ser; replaces glycine 492 with serine.
Molecular consequence: missense variant. On other transcripts: non-coding transcript variant (2).
Genome position (GRCh38, 1-based): chr11:6,394,029, G>A. VCF-style: chr11-6394029-G-A. GRCh37 (hg19) VCF-style: chr11-6415259-G-A.
Other names: c.1471G>A, p.Gly491Ser (NM_001007593.3); c.1474G>A, p.Gly492Ser (NM_001318087.2); c.553G>A, p.Gly185Ser (NM_001318088.2); c.1342G>A, p.Gly448Ser (NM_001365135.2); short protein forms G492S, G448S, G185S, G491S.
Identifiers: ClinVar variation 445832 (VCV000445832.50), dbSNP rs144873307, ClinGen allele CA5852897.
Genomic context (GRCh38, chr11:6,394,029, plus strand): 5'-GAGACTCTGAGCCGGCCGCTGGCTGTAGCCTTCCTGGCACCCAGTGCAACTACCTACATC[G>A]GCCTTAATCCTGGTGAGTGAGGCAGAAGGGAGCCTCCCTTATCCTGGAGTTGGTGGGATA-3'
Protein context (NP_000534.3, residues 482-502): FLAPSATTYI[Gly492Ser]LNPGYRVYQI